The following is an entry in ClinVar:

NM_001321075.3(DLG4):c.531C>T (p.Gly177=)

Gene: DLG4 (discs large MAGUK scaffold protein 4; minus strand). Cytogenetic location: 17p13.1.
Variant type: single nucleotide variant.
Coding change: c.531C>T on transcript NM_001321075.3 (MANE Select); coding-DNA position 531, C replaced by T.
Protein change: p.Gly177=; no amino-acid change (glycine 177 retained).
Molecular consequence: synonymous variant. On other transcripts: non-coding transcript variant (1).
Genome position (GRCh38, 1-based): chr17:7,203,304, G>A on the plus strand (C>T on the coding strand, the complement: DLG4 is on the minus strand). VCF-style: chr17-7203304-G-A. GRCh37 (hg19) VCF-style: chr17-7106623-G-A.
Other names: c.660C>T, p.Gly220= (NM_001365.5); c.450C>T, p.Gly150= (NM_001369566.3); c.660C>T (NM_001365.4); c.522C>T, p.Gly174= (NM_001128827.4); c.651C>T, p.Gly217= (NM_001321074.1); c.351C>T, p.Gly117= (NM_001321076.3, NM_001321077.3).
Identifiers: ClinVar variation 3898288 (VCV003898288.8).

ClinVar aggregate classification (germline): Likely benign. Review status: criteria provided, multiple submitters, no conflicts (2 of 4 stars). 2 submissions from 2 submitters: Likely benign (2). Last evaluated 2025-10-08.

Conditions:
DLG4-related disorder. Also called: DLG4-related condition.

gnomAD v4.1: 538 of 1,605,242 alleles (0.034%); highest among the groups gnomAD compares: East Asian, 0.13%; 1 homozygote.

Submissions (2):

PreventionGenetics, part of Exact Sciences
Classification: Likely benign for DLG4-related condition. Last evaluated: 2025-10-08. Review status: criteria provided, single submitter. Criteria: ACMG Guidelines, 2015. Collection method: clinical testing. Allele origin: germline.
Comment: This variant is classified as likely benign based on ACMG/AMP sequence variant interpretation guidelines (Richards et al. 2015 PMID: 25741868, with internal and published modifications).

CeGaT Center for Human Genetics Tuebingen
Classification: Likely benign. Last evaluated: 2025-04-01. Review status: criteria provided, single submitter. Criteria: CeGaT Center For Human Genetics Tuebingen Variant Classification Criteria Version 2. Collection method: clinical testing. Allele origin: germline. Affected: yes. Observed: 1 variant allele.
Comment: DLG4: BP4, BP7